The following is an entry in ClinVar:

ClinVar aggregate classification (germline): Uncertain significance (1 of 4 stars; one submission).

Conditions:
Neuropathy, hereditary sensory and autonomic, type 2A (HSAN2A). Also called: MORVAN DISEASE; NEUROPATHY, CONGENITAL SENSORY; NEUROPATHY, HEREDITARY SENSORY RADICULAR, AUTOSOMAL RECESSIVE; NEUROPATHY, HEREDITARY SENSORY, TYPE IIA; NEUROPATHY, PROGRESSIVE SENSORY, OF CHILDREN; ACROOSTEOLYSIS, GIACCAI TYPE. Identifiers: Orphanet 970, MedGen C2752089, MONDO:0024309, OMIM 201300.
Generalized epilepsy with febrile seizures plus, type 7 (GEFSP7). Also called: GEFS+, TYPE 7. Identifiers: Orphanet 36387, MedGen C2751778, MONDO:0013470, OMIM 613863.

gnomAD v4.1: 3 of 1,612,714 alleles (0.00019%); highest among the groups gnomAD compares: Non-Finnish European, 0.00025%; no homozygotes.

Submission:

Labcorp Genetics (formerly Invitae), Labcorp
Classification: Uncertain significance for Neuropathy, hereditary sensory and autonomic, type 2A; Generalized epilepsy with febrile seizures plus, type 7. Last evaluated: 2024-09-06. Review status: criteria provided, single submitter. Criteria: Invitae Variant Classification Sherloc (09022015). Collection method: clinical testing. Allele origin: germline.
Comment: This sequence change replaces glutamic acid, which is acidic and polar, with alanine, which is neutral and non-polar, at codon 1129 of the SCN9A protein (p.Glu1129Ala). This variant is not present in population databases (gnomAD no frequency). This variant has not been reported in the literature in individuals affected with SCN9A-related conditions. Invitae Evidence Modeling of protein sequence and biophysical properties (such as structural, functional, and spatial information, amino acid conservation, physicochemical variation, residue mobility, and thermodynamic stability) indicates that this missense variant is not expected to disrupt SCN9A protein function with a negative predictive value of 95%. In summary, the available evidence is currently insufficient to determine the role of this variant in disease. Therefore, it has been classified as a Variant of Uncertain Significance.

NM_001365536.1(SCN9A):c.3419A>C (p.Glu1140Ala)

Genes: SCN1A-AS1 (SCN1A and SCN9A antisense RNA 1; plus strand), SCN9A (sodium voltage-gated channel alpha subunit 9; minus strand). Cytogenetic location: 2q24.3.
Variant type: single nucleotide variant.
Coding change: c.3419A>C on transcript NM_001365536.1 (MANE Select); coding-DNA position 3419, A replaced by C.
Protein change: p.Glu1140Ala; replaces glutamic acid 1140 with alanine.
Molecular consequence: missense variant. On other transcripts: non-coding transcript variant (1).
Genome position (GRCh38, 1-based): chr2:166,251,818, T>G on the plus strand (A>C on the coding strand, the complement: SCN9A is on the minus strand). VCF-style: chr2-166251818-T-G. GRCh37 (hg19) VCF-style: chr2-167108328-T-G.
Other names: c.3386A>C, p.Glu1129Ala (NM_002977.4); short protein forms E1129A, E1140A.
Identifiers: ClinVar variation 3749802 (VCV003749802.2).
Genomic context (GRCh38, chr2:166,251,818, plus strand): 5'-GTCTTACCATCTGTGAAACAGGCCTCTGGCTCATCGGAATTCATAGGTTCAGCCTCTGCT[T>G]CTTCTCCTTCTCCAGGCAAAGGGTTATCAACTGTGCTGCACTCTGAGGAGCTTGACCGGT-3'
Protein context (NP_001352465.1, residues 1130-1150): VDNPLPGEGE[Glu1140Ala]AEAEPMNSDE